The following is an entry in ClinVar:

NM_000260.4(MYO7A):c.735+5G>A

Gene: MYO7A (myosin VIIA; plus strand). Cytogenetic location: 11q13.5.
Variant type: single nucleotide variant.
Coding change: c.735+5G>A on transcript NM_000260.4 (MANE Select); 5 bases into the intron after coding-DNA position 735, G replaced by A.
Molecular consequence: intron variant.
Genome position (GRCh38, 1-based): chr11:77,157,009, G>A. VCF-style: chr11-77157009-G-A. GRCh37 (hg19) VCF-style: chr11-76868055-G-A.
Other names: c.702+5G>A (NM_001369365.1); c.735+5G>A (NM_001127180.2).
Identifiers: ClinVar variation 2019410 (VCV002019410.5), dbSNP rs2496753130, ClinGen allele CA2580084929.

ClinVar aggregate classification (germline): Uncertain significance. Review status: criteria provided, multiple submitters, no conflicts (2 of 4 stars). 2 submissions from 2 submitters: Uncertain significance (2). Last evaluated 2022-07-24.

gnomAD v4.1: 1 of 1,611,518 alleles (0.000062%); highest among the groups gnomAD compares: East Asian, 0.0022%; no homozygotes.

Submissions (2):

Labcorp Genetics (formerly Invitae), Labcorp
Classification: Uncertain significance. Last evaluated: 2022-07-24. Review status: criteria provided, single submitter. Criteria: Invitae Variant Classification Sherloc (09022015). Collection method: clinical testing. Allele origin: germline.
Comment: Variants that disrupt the consensus splice site are a relatively common cause of aberrant splicing (PMID: 17576681, 9536098). Algorithms developed to predict the effect of sequence changes on RNA splicing suggest that this variant may disrupt the consensus splice site. This variant has not been reported in the literature in individuals affected with MYO7A-related conditions. This variant is not present in population databases (gnomAD no frequency). This sequence change falls in intron 7 of the MYO7A gene. It does not directly change the encoded amino acid sequence of the MYO7A protein. It affects a nucleotide within the consensus splice site. In summary, the available evidence is currently insufficient to determine the role of this variant in disease. Therefore, it has been classified as a Variant of Uncertain Significance.

Blueprint Genetics
Classification: Uncertain significance. Last evaluated: 2019-08-12. Review status: criteria provided, single submitter. Criteria: ACMG Guidelines, 2015. Collection method: clinical testing. Allele origin: germline.

Literature cited by the submitters: PubMed 17576681 (cited by Labcorp Genetics (formerly Invitae), Labcorp); PubMed 9536098 (cited by Labcorp Genetics (formerly Invitae), Labcorp).